The following is an entry in ClinVar:

NM_177438.3(DICER1):c.4763T>G (p.Leu1588Arg)

Gene: DICER1 (dicer 1, ribonuclease III; minus strand). Cytogenetic location: 14q32.13.
Variant type: single nucleotide variant.
Coding change: c.4763T>G on transcript NM_177438.3 (MANE Select); coding-DNA position 4763, T replaced by G.
Protein change: p.Leu1588Arg; replaces leucine 1588 with arginine.
Molecular consequence: missense variant. On other transcripts: non-coding transcript variant (6).
Genome position (GRCh38, 1-based): chr14:95,096,157, A>C on the plus strand (T>G on the coding strand, the complement: DICER1 is on the minus strand). VCF-style: chr14-95096157-A-C. GRCh37 (hg19) VCF-style: chr14-95562494-A-C.
Other names: c.4763T>G, p.Leu1588Arg (NM_001395683.1, NM_001395684.1, NM_001395692.1 and 12 more transcripts); c.4481T>G, p.Leu1494Arg (NM_001395686.1); c.4358T>G, p.Leu1453Arg (NM_001395687.1, NM_001395688.1, NM_001395689.1 and 2 more transcripts); c.4196T>G, p.Leu1399Arg (NM_001395691.1); c.3080T>G, p.Leu1027Arg (NM_001395697.1); short protein forms L1453R, L1588R, L1494R, L1027R, L1399R.
Identifiers: ClinVar variation 5035302 (VCV005035302.1).

ClinVar aggregate classification (germline): Uncertain significance (1 of 4 stars; one submission).

Conditions:
Hereditary cancer-predisposing syndrome. Also called: Hereditary Cancer Syndrome; Neoplastic Syndromes, Hereditary; Tumor predisposition; Hereditary neoplastic syndrome. Identifiers: Orphanet 140162, MedGen C0027672, MeSH D009386, MONDO:0015356.

Submission:

Ambry Genetics
Classification: Uncertain significance for Hereditary cancer-predisposing syndrome. Last evaluated: 2026-07-30. Review status: criteria provided, single submitter. Criteria: Ambry Variant Classification Scheme 2023. Collection method: clinical testing. Allele origin: germline.
Comment: The p.L1588R variant (also known as c.4763T>G), located in coding exon 22 of the DICER1 gene, results from a T to G substitution at nucleotide position 4763. The leucine at codon 1588 is replaced by arginine, an amino acid with dissimilar properties. This amino acid position is conserved. In addition, this alteration is predicted to be deleterious by in silico analysis. Based on the available evidence, the clinical significance of this variant remains unclear.